The following is an entry in ClinVar:

ClinVar aggregate classification (germline): Likely benign. Review status: criteria provided, multiple submitters, no conflicts (2 of 4 stars). 2 submissions from 2 submitters: Likely benign (2). Last evaluated 2026-07-01.

Conditions:
FMN2-related disorder. Also called: FMN2-related condition.

Submissions (2):

CeGaT Center for Human Genetics Tuebingen
Classification: Likely benign. Last evaluated: 2026-07-01. Review status: criteria provided, single submitter. Criteria: CeGaT Center For Human Genetics Tuebingen Variant Classification Criteria Version 2. Collection method: clinical testing. Allele origin: germline. Affected: yes. Observed: 9 variant alleles.
Comment: FMN2: BP4, BP7

PreventionGenetics, part of Exact Sciences
Classification: Likely benign for FMN2-related condition. Last evaluated: 2022-05-23. Review status: criteria provided, single submitter. Criteria: ACMG Guidelines, 2015. Collection method: clinical testing. Allele origin: germline.
Comment: This variant is classified as likely benign based on ACMG/AMP sequence variant interpretation guidelines (Richards et al. 2015 PMID: 25741868, with internal and published modifications).

NM_020066.5(FMN2):c.3186C>A (p.Gly1062=)

Gene: FMN2 (formin 2; plus strand). Cytogenetic location: 1q43.
Variant type: single nucleotide variant.
Coding change: c.3186C>A on transcript NM_020066.5 (MANE Select); coding-DNA position 3186, C replaced by A.
Protein change: p.Gly1062=; no amino-acid change (glycine 1062 retained).
Molecular consequence: synonymous variant. On other transcripts: intron variant (1).
Genome position (GRCh38, 1-based): chr1:240,207,998, C>A. VCF-style: chr1-240207998-C-A. GRCh37 (hg19) VCF-style: chr1-240371298-C-A.
Other names: c.3198C>A, p.Gly1066= (NM_001305424.2); c.1986+19736C>A (NM_001348094.2); c.3186C>A (NM_020066.4).
Identifiers: ClinVar variation 871332 (VCV000871332.42), dbSNP rs1228832309, ClinGen allele CA424385540.